The following is an entry in ClinVar:

ClinVar aggregate classification (germline): Likely benign (1 of 4 stars; one submission).

Submission:

CeGaT Center for Human Genetics Tuebingen
Classification: Likely benign. Last evaluated: 2023-05-01. Review status: criteria provided, single submitter. Criteria: CeGaT Center For Human Genetics Tuebingen Variant Classification Criteria Version 2. Collection method: clinical testing. Allele origin: germline. Affected: yes. Observed: 1 variant allele.
Comment: TUBGCP3: BS2

NM_006322.6(TUBGCP3):c.1168+73_1168+102del

Gene: TUBGCP3 (tubulin gamma complex component 3; minus strand). Cytogenetic location: 13q34.
Variant type: Deletion.
Coding change: c.1168+73_1168+102del on transcript NM_006322.6 (MANE Select); bases 73 to 102 of the intron after coding-DNA position 1168, 30 bases deleted (ACTTTCCCATGCACGTCTTTCCCACGCGCG).
Molecular consequence: intron variant. On other transcripts: inframe deletion (1).
Genome position (GRCh38, 1-based): chr13:112,547,518-112,547,547, CGCGCGTGGGAAAGACGTGCATGGGAAAGT deleted on the plus strand (ACTTTCCCATGCACGTCTTTCCCACGCGCG on the coding strand, the reverse complement: TUBGCP3 is on the minus strand); deleting any 30 consecutive bases within chr13:112,547,518-112,547,561 gives the same sequence; the c. name uses the placement nearest the transcript's 3' end. VCF-style (leftmost placement, unchanged base first): chr13-112547517-ACGCGCGTGGGAAAGACGTGCATGGGAAAGT-A. GRCh37 (hg19) VCF-style: chr13-113201831-ACGCGCGTGGGAAAGACGTGCATGGGAAAGT-A.
Other names: c.1241_1270del, p.Asp414_Arg423del (NM_001286279.2); c.1138+73_1138+102del (NM_001286277.2); c.1168+73_1168+102del (NM_001286278.2).
Identifiers: ClinVar variation 2643964 (VCV002643964.24), dbSNP rs1464179058, ClinGen allele CA7055534.